The following is an entry in ClinVar:

NM_130468.4(CHST14):c.*6G>A

Gene: CHST14 (carbohydrate sulfotransferase 14; plus strand). Cytogenetic location: 15q15.1.
Variant type: single nucleotide variant.
Coding change: c.*6G>A on transcript NM_130468.4 (MANE Select); 6 bases downstream of the stop codon, G replaced by A.
Molecular consequence: 3 prime UTR variant.
Genome position (GRCh38, 1-based): chr15:40,472,350, G>A. VCF-style: chr15-40472350-G-A. GRCh37 (hg19) VCF-style: chr15-40764549-G-A.
Other names: c.1131+6G>A (NM_130468.3).
Identifiers: ClinVar variation 128769 (VCV000128769.11), dbSNP rs582736, ClinGen allele CA214778.

ClinVar aggregate classification (germline): Benign. Review status: criteria provided, multiple submitters, no conflicts (2 of 4 stars). 7 submissions from 7 submitters: Benign (7). Last evaluated 2026-01-21.

Allele frequency attached by ClinVar (database versions not stated): gnomAD exomes 0.08305 and 0.09804; ExAC 0.10394; gnomAD 0.13592 and 0.13794; TOPMed 0.14061; ESP Exome Variant Server 0.14547; 1000 Genomes Project 30x 0.15319; 1000 Genomes Project 0.15335.

Submissions (7):

Women's Health and Genetics/Laboratory Corporation of America, LabCorp
Classification: Benign. Last evaluated: 2026-01-21. Review status: criteria provided, single submitter. Criteria: LabCorp Variant Classification Summary - May 2015. Collection method: clinical testing. Allele origin: germline.

Blueprint Genetics
Classification: Benign. Last evaluated: 2024-11-27. Review status: criteria provided, single submitter. Criteria: ACMG Guidelines, 2015. Collection method: clinical testing. Allele origin: germline.

Mayo Clinic Laboratories, Mayo Clinic
Classification: Benign. Last evaluated: 2019-03-13. Review status: criteria provided, single submitter. Criteria: ACMG Guidelines, 2015. Collection method: clinical testing. Allele origin: germline. Observed: 672 variant alleles.

GeneDx
Classification: Benign. Last evaluated: 2016-10-06. Review status: criteria provided, single submitter. Criteria: GeneDx Variant Classification (06012015). Collection method: clinical testing. Allele origin: germline. Affected: yes.
Comment: This variant is considered likely benign or benign based on one or more of the following criteria: it is a conservative change, it occurs at a poorly conserved position in the protein, it is predicted to be benign by multiple in silico algorithms, and/or has population frequency not consistent with disease.

Genetic Services Laboratory, University of Chicago
Classification: Benign for AllHighlyPenetrant. Last evaluated: 2013-08-15. Review status: criteria provided, single submitter. Criteria: ACMG Guidelines, 2007. Collection method: clinical testing. Allele origin: germline. Inheritance: Autosomal recessive inheritance.

Breakthrough Genomics
Classification: Benign. Review status: criteria provided, single submitter. Criteria: ACMG Guidelines, 2015. Collection method: not provided. Allele origin: germline. Inheritance: Autosomal recessive inheritance. Affected: yes.

PreventionGenetics, part of Exact Sciences
Classification: Benign. Review status: criteria provided, single submitter. Criteria: ACMG Guidelines, 2015. Collection method: clinical testing. Allele origin: germline.